The following is an entry in ClinVar:

NM_002691.4(POLD1):c.608G>A (p.Gly203Glu)

Gene: POLD1 (DNA polymerase delta 1, catalytic subunit; plus strand). Cytogenetic location: 19q13.33.
Variant type: single nucleotide variant.
Coding change: c.608G>A on transcript NM_002691.4 (MANE Select); coding-DNA position 608, G replaced by A.
Protein change: p.Gly203Glu; replaces glycine 203 with glutamic acid.
Molecular consequence: missense variant. On other transcripts: non-coding transcript variant (1).
Genome position (GRCh38, 1-based): chr19:50,402,223, G>A. VCF-style: chr19-50402223-G-A. GRCh37 (hg19) VCF-style: chr19-50905480-G-A.
Other names: c.608G>A, p.Gly203Glu (NM_001256849.1, NM_001308632.1); c.608G>A (NM_002691.2); short protein forms G203E.
Identifiers: ClinVar variation 575665 (VCV000575665.9), dbSNP rs1568619907, ClinGen allele CA406973852.

ClinVar aggregate classification (germline): Uncertain significance. Review status: criteria provided, multiple submitters, no conflicts (2 of 4 stars). 2 submissions from 2 submitters: Uncertain significance (2). Last evaluated 2025-05-27.

Conditions:
POLD1-related polyposis and colorectal cancer syndrome (CRCS10). Also called: Colorectal cancer 10; COLORECTAL CANCER, SUSCEPTIBILITY TO, ON CHROMOSOME 19q; Colorectal cancer, susceptibility to, 10. Identifiers: Orphanet 220460, MedGen C2675481, MONDO:0012953, OMIM 612591.
Hereditary cancer-predisposing syndrome. Also called: Tumor predisposition; Neoplastic Syndromes, Hereditary; Hereditary Cancer Syndrome; Hereditary neoplastic syndrome. Identifiers: Orphanet 140162, MedGen C0027672, MeSH D009386, MONDO:0015356.

Allele frequency attached by ClinVar (database versions not stated): gnomAD exomes below 0.00001.
gnomAD v4.1: 1 of 1,586,470 alleles (0.000063%); highest among the groups gnomAD compares: Non-Finnish European, 0.000086%; no homozygotes.

Submissions (2):

Ambry Genetics
Classification: Uncertain significance for Hereditary cancer-predisposing syndrome. Last evaluated: 2025-05-27. Review status: criteria provided, single submitter. Criteria: Ambry Variant Classification Scheme 2023. Collection method: clinical testing. Allele origin: germline.
Comment: The p.G203E variant (also known as c.608G>A), located in coding exon 5 of the POLD1 gene, results from a G to A substitution at nucleotide position 608. The glycine at codon 203 is replaced by glutamic acid, an amino acid with similar properties. This amino acid position is highly conserved in available vertebrate species. In addition, the in silico prediction for this alteration is inconclusive. Based on the available evidence, the clinical significance of this variant remains unclear.

Labcorp Genetics (formerly Invitae), Labcorp
Classification: Uncertain significance for POLD1-related polyposis and colorectal cancer syndrome. Last evaluated: 2024-11-11. Review status: criteria provided, single submitter. Criteria: Invitae Variant Classification Sherloc (09022015). Collection method: clinical testing. Allele origin: germline.
Comment: This sequence change replaces glycine, which is neutral and non-polar, with glutamic acid, which is acidic and polar, at codon 203 of the POLD1 protein (p.Gly203Glu). This variant is not present in population databases (gnomAD no frequency). This variant has not been reported in the literature in individuals affected with POLD1-related conditions. ClinVar contains an entry for this variant (Variation ID: 575665). Invitae Evidence Modeling of protein sequence and biophysical properties (such as structural, functional, and spatial information, amino acid conservation, physicochemical variation, residue mobility, and thermodynamic stability) indicates that this missense variant is not expected to disrupt POLD1 protein function with a negative predictive value of 80%. In summary, the available evidence is currently insufficient to determine the role of this variant in disease. Therefore, it has been classified as a Variant of Uncertain Significance.